The following is an entry in ClinVar:

ClinVar aggregate classification (germline): Uncertain significance (1 of 4 stars; one submission).

Allele frequency attached by ClinVar (database versions not stated): TOPMed below 0.00001.
gnomAD v4.1: 2 of 1,613,716 alleles (0.00012%); highest among the groups gnomAD compares: Non-Finnish European, 0.00017%; no homozygotes.

Submission:

Labcorp Genetics (formerly Invitae), Labcorp
Classification: Uncertain significance. Last evaluated: 2022-07-09. Review status: criteria provided, single submitter. Criteria: Invitae Variant Classification Sherloc (09022015). Collection method: clinical testing. Allele origin: germline.
Comment: This sequence change replaces alanine, which is neutral and non-polar, with valine, which is neutral and non-polar, at codon 331 of the TTLL5 protein (p.Ala331Val). This variant is present in population databases (no rsID available, gnomAD 0.0009%). This variant has not been reported in the literature in individuals affected with TTLL5-related conditions. Algorithms developed to predict the effect of missense changes on protein structure and function (SIFT, PolyPhen-2, Align-GVGD) all suggest that this variant is likely to be tolerated. In summary, the available evidence is currently insufficient to determine the role of this variant in disease. Therefore, it has been classified as a Variant of Uncertain Significance.

NM_015072.5(TTLL5):c.992C>T (p.Ala331Val)

Gene: TTLL5 (tubulin tyrosine ligase like 5; plus strand). Cytogenetic location: 14q24.3.
Variant type: single nucleotide variant.
Coding change: c.992C>T on transcript NM_015072.5 (MANE Select); coding-DNA position 992, C replaced by T.
Protein change: p.Ala331Val; replaces alanine 331 with valine.
Molecular consequence: missense variant.
Genome position (GRCh38, 1-based): chr14:75,720,653, C>T. VCF-style: chr14-75720653-C-T. GRCh37 (hg19) VCF-style: chr14-76186996-C-T.
Other names: short protein forms A331V.
Identifiers: ClinVar variation 1957768 (VCV001957768.5), dbSNP rs1468628435, ClinGen allele CA390458773.